The following is an entry in ClinVar:

ClinVar aggregate classification (germline): Pathogenic (1 of 4 stars; one submission).

Conditions:
Hereditary cancer-predisposing syndrome. Also called: Hereditary neoplastic syndrome; Tumor predisposition; Hereditary Cancer Syndrome; Neoplastic Syndromes, Hereditary. Identifiers: Orphanet 140162, MedGen C0027672, MeSH D009386, MONDO:0015356.

Submission:

Labcorp Genetics (formerly Invitae), Labcorp
Classification: Pathogenic for Hereditary cancer-predisposing syndrome. Last evaluated: 2021-10-18. Review status: criteria provided, single submitter. Criteria: Invitae Variant Classification Sherloc (09022015). Collection method: clinical testing. Allele origin: germline.
Comment: For these reasons, this variant has been classified as Pathogenic. Algorithms developed to predict the effect of sequence changes on RNA splicing suggest that this variant may create or strengthen a splice site. ClinVar contains an entry for this variant (Variation ID: 1069071). This variant has not been reported in the literature in individuals affected with RAD50-related conditions. This variant is not present in population databases (gnomAD no frequency). This sequence change creates a premature translational stop signal (p.Glu503*) in the RAD50 gene. It is expected to result in an absent or disrupted protein product. Loss-of-function variants in RAD50 are known to be pathogenic (PMID: 19409520).

Literature cited by the submitters: PubMed 19409520.

NM_005732.4(RAD50):c.1507G>T (p.Glu503Ter)

Gene: RAD50 (RAD50 double strand break repair protein; plus strand). Cytogenetic location: 5q31.1.
Variant type: single nucleotide variant.
Coding change: c.1507G>T on transcript NM_005732.4 (MANE Select); coding-DNA position 1507, G replaced by T.
Protein change: p.Glu503Ter; replaces glutamic acid 503 with a stop codon.
Molecular consequence: nonsense.
Genome position (GRCh38, 1-based): chr5:132,591,278, G>T. VCF-style: chr5-132591278-G-T. GRCh37 (hg19) VCF-style: chr5-131926970-G-T.
Other names: short protein forms E503*.
Identifiers: ClinVar variation 1069071 (VCV001069071.7), dbSNP rs2149842183, ClinGen allele CA360945633.
Genomic context (GRCh38, chr5:132,591,278, plus strand): 5'-GACTAGGAACGTGAGTTAAGCAAGGCTGAGAAAAACAGCAATGTAGAAACCTTAAAAATG[G>T]AAGTAATAAGTCTCCAAAATGAAAAAGCAGACTTAGACAGGACCCTGCGTAAACTTGACC-3'